The following is an entry in ClinVar:

ClinVar aggregate classification (germline): Uncertain significance (1 of 4 stars; one submission).

Submission:

GeneDx
Classification: Uncertain significance. Last evaluated: 2024-06-04. Review status: criteria provided, single submitter. Criteria: GeneDx Variant Classification Process June 2021. Collection method: clinical testing. Allele origin: germline. Affected: yes.
Comment: Not observed at significant frequency in large population cohorts (gnomAD); In silico analysis indicates that this missense variant does not alter protein structure/function; Has not been previously published as pathogenic or benign to our knowledge

NM_032119.4(ADGRV1):c.12130G>A (p.Asp4044Asn)

Gene: ADGRV1 (adhesion G protein-coupled receptor V1; plus strand). Cytogenetic location: 5q14.3.
Variant type: single nucleotide variant.
Coding change: c.12130G>A on transcript NM_032119.4 (MANE Select); coding-DNA position 12130, G replaced by A.
Protein change: p.Asp4044Asn; replaces aspartic acid 4044 with asparagine.
Molecular consequence: missense variant. On other transcripts: non-coding transcript variant (1).
Genome position (GRCh38, 1-based): chr5:90,763,314, G>A. VCF-style: chr5-90763314-G-A. GRCh37 (hg19) VCF-style: chr5-90059131-G-A.
Other names: short protein forms D4044N.
Identifiers: ClinVar variation 3384480 (VCV003384480.1).